The following is an entry in ClinVar:

NM_007254.4(PNKP):c.1059C>A (p.Cys353Ter)

Gene: PNKP (polynucleotide kinase 3'-phosphatase; minus strand). Cytogenetic location: 19q13.33.
Variant type: single nucleotide variant.
Coding change: c.1059C>A on transcript NM_007254.4 (MANE Select); coding-DNA position 1059, C replaced by A.
Protein change: p.Cys353Ter; replaces cysteine 353 with a stop codon.
Molecular consequence: nonsense.
Genome position (GRCh38, 1-based): chr19:49,862,252, G>T on the plus strand (C>A on the coding strand, the complement: PNKP is on the minus strand). VCF-style: chr19-49862252-G-T. GRCh37 (hg19) VCF-style: chr19-50365509-G-T.
Other names: short protein forms C353*.
Identifiers: ClinVar variation 1071794 (VCV001071794.7), dbSNP rs1337771339, ClinGen allele CA406880029.

ClinVar aggregate classification (germline): Pathogenic (1 of 4 stars; one submission).

Conditions:
Developmental and epileptic encephalopathy, 12 (DEE12). Identifiers: MedGen C3150988, MONDO:0013389, OMIM 613722.

Allele frequency attached by ClinVar (database versions not stated): gnomAD exomes below 0.00001.
gnomAD v4.1: 1 of 1,608,760 alleles (0.000062%); highest among the groups gnomAD compares: Admixed American, 0.0017%; no homozygotes.

Submission:

Labcorp Genetics (formerly Invitae), Labcorp
Classification: Pathogenic for Developmental and epileptic encephalopathy, 12. Last evaluated: 2020-04-13. Review status: criteria provided, single submitter. Criteria: Invitae Variant Classification Sherloc (09022015). Collection method: clinical testing. Allele origin: germline.
Comment: This variant is not present in population databases (ExAC no frequency). This variant has not been reported in the literature in individuals with PNKP-related conditions. Loss-of-function variants in PNKP are known to be pathogenic (PMID: 20118933, 25728773). For these reasons, this variant has been classified as Pathogenic. This sequence change creates a premature translational stop signal (p.Cys353*) in the PNKP gene. It is expected to result in an absent or disrupted protein product.

Literature cited by the submitters: PubMed 20118933; PubMed 25728773.